The following is an entry in ClinVar:

ClinVar aggregate classification (germline): Uncertain significance. Review status: criteria provided, single submitter (1 of 4 stars). 2 submissions from 1 submitter: Uncertain significance (1). 1 of the submissions does not count toward it. Last evaluated 2021-07-22.

Conditions:
Combined immunodeficiency due to MALT1 deficiency. Also called: Immunodeficiency 12. Identifiers: Orphanet 397964, MedGen C3809583, MONDO:0014197, OMIM 615468.

Submissions (2):

Labcorp Genetics (formerly Invitae), Labcorp
Classification: Uncertain significance. Last evaluated: 2021-07-22. Review status: criteria provided, single submitter. Criteria: Invitae Variant Classification Sherloc (09022015). Collection method: clinical testing. Allele origin: germline.
Comment: A copy number gain of the genomic region encompassing the full coding sequence of the CCBE1 gene has been identified. The boundaries of this event are unknown as they extend beyond the assayed region for this gene and therefore may encompass additional genes. As the precise location of this event is unknown, it may be in tandem or it may be located elsewhere in the genome. This variant has not been reported in the literature in individuals affected with CCBE1-related conditions. In summary, the available evidence is currently insufficient to determine the role of this variant in disease. Therefore, it has been classified as a Variant of Uncertain Significance.

Labcorp Genetics (formerly Invitae), Labcorp
Classification: Uncertain significance for Combined immunodeficiency due to MALT1 deficiency. Last evaluated: 2021-07-22. Review status: flagged submission. Criteria: Invitae Variant Classification Sherloc (09022015). Collection method: clinical testing. Allele origin: germline. Not counted in ClinVar's aggregate classification.
Comment: This variant results in a copy number gain of the genomic region encompassing the full coding sequence of the MALT1 gene. The boundaries of this event are unknown as they extend beyond the assayed region for this gene and therefore may encompass additional genes. As the precise location of this event is unknown, it may be in tandem or it may be located elsewhere in the genome. This variant has not been reported in the literature in individuals with MALT1-related conditions. In summary, the available evidence is currently insufficient to determine the role of this variant in disease. Therefore, it has been classified as a Variant of Uncertain Significance.
ClinVar note: Reason: This record appears to be redundant with a more recent record from the same submitter.
ClinVar note: Notes: SCV003791553 appears to be redundant with SCV003796281.

NC_000018.9:g.(?_55217944)_(58039582_?)dup

Genes: ALPK2 (alpha kinase 2; minus strand), ATP8B1 (ATPase phospholipid transporting 8B1; minus strand), CCBE1 (collagen and calcium binding EGF domains 1; minus strand), CPLX4 (complexin 4; minus strand), FECH (ferrochelatase; minus strand) and 11 more. Cytogenetic location: 18q21.31-21.32.
Variant type: Duplication.
Identifiers: ClinVar variation 2425645 (VCV002425645.3).